The following is an entry in ClinVar:

NM_001567.4(INPPL1):c.1278C>T (p.Val426=)

Gene: INPPL1 (inositol polyphosphate phosphatase like 1; plus strand). Cytogenetic location: 11q13.4.
Variant type: single nucleotide variant.
Coding change: c.1278C>T on transcript NM_001567.4 (MANE Select); coding-DNA position 1278, C replaced by T.
Protein change: p.Val426=; no amino-acid change (valine 426 retained).
Molecular consequence: synonymous variant.
Genome position (GRCh38, 1-based): chr11:72,230,876, C>T. VCF-style: chr11-72230876-C-T. GRCh37 (hg19) VCF-style: chr11-71941920-C-T.
Identifiers: ClinVar variation 717247 (VCV000717247.12), dbSNP rs151261252, ClinGen allele CA6169972.
Genomic context (GRCh38, chr11:72,230,876, plus strand): 5'-GCTGTTGCAGCTCATGAAGAACAAGCACTCCAAGCAGGACGAGCCCGACATGATCTCAGT[C>T]TTCATAGGCACCTGGAACATGGGTCAGGCCCGGGCTGGGGCTGGGGCGGGAGAGAGGGAT-3'
Protein context (NP_001558.3, residues 416-436): SKQDEPDMIS[Val426=]FIGTWNMGSV

ClinVar aggregate classification (germline): Benign. Review status: criteria provided, multiple submitters, no conflicts (2 of 4 stars). 3 submissions from 3 submitters: Benign (2). 1 of the submissions does not count toward it. Last evaluated 2025-10-03.

Conditions:
INPPL1-related disorder. Also called: INPPL1-related condition.

Allele frequency attached by ClinVar (database versions not stated): gnomAD exomes 0.00008 and 0.00016; 1000 Genomes Project 0.00020; ExAC 0.00021; 1000 Genomes Project 30x 0.00062; gnomAD 0.00070 and 0.00073; TOPMed 0.00074; ESP Exome Variant Server 0.00092.
gnomAD v4.1: 214 of 1,614,034 alleles (0.013%); highest among the groups gnomAD compares: African/African-American, 0.26%; no homozygotes.

Submissions (3):

Labcorp Genetics (formerly Invitae), Labcorp
Classification: Benign. Last evaluated: 2025-10-03. Review status: criteria provided, single submitter. Criteria: Invitae Variant Classification Sherloc (09022015). Collection method: clinical testing. Allele origin: germline.

Breakthrough Genomics
Classification: Benign. Review status: criteria provided, single submitter. Criteria: ACMG Guidelines, 2015. Collection method: not provided. Allele origin: germline. Inheritance: Autosomal recessive inheritance. Affected: yes.

PreventionGenetics, part of Exact Sciences
Classification: Likely benign for INPPL1-related condition. Last evaluated: 2019-07-15. Review status: no assertion criteria provided. Collection method: clinical testing. Allele origin: germline. Not counted in ClinVar's aggregate classification.
Comment: This variant is classified as likely benign based on ACMG/AMP sequence variant interpretation guidelines (Richards et al. 2015 PMID: 25741868, with internal and published modifications).